The following is an entry in ClinVar:

ClinVar aggregate classification (germline): Uncertain significance (1 of 4 stars; one submission).

Allele frequency attached by ClinVar (database versions not stated): TOPMed 0.00001; ESP Exome Variant Server 0.00008.
gnomAD v4.1: 1 of 1,594,840 alleles (0.000063%); highest among the groups gnomAD compares: Non-Finnish European, 0.000086%; no homozygotes.

Submission:

Labcorp Genetics (formerly Invitae), Labcorp
Classification: Uncertain significance. Last evaluated: 2022-03-23. Review status: criteria provided, single submitter. Criteria: Invitae Variant Classification Sherloc (09022015). Collection method: clinical testing. Allele origin: germline.
Comment: This sequence change replaces proline, which is neutral and non-polar, with leucine, which is neutral and non-polar, at codon 2407 of the DMXL2 protein (p.Pro2407Leu). This variant is present in population databases (rs144657780, gnomAD 0.0009%). This variant has not been reported in the literature in individuals affected with DMXL2-related conditions. Algorithms developed to predict the effect of missense changes on protein structure and function (SIFT, PolyPhen-2, Align-GVGD) all suggest that this variant is likely to be tolerated. Algorithms developed to predict the effect of sequence changes on RNA splicing suggest that this variant may create or strengthen a splice site. In summary, the available evidence is currently insufficient to determine the role of this variant in disease. Therefore, it has been classified as a Variant of Uncertain Significance.

NM_001378457.1(DMXL2):c.7220C>T (p.Pro2407Leu)

Gene: DMXL2 (Dmx like 2; minus strand). Cytogenetic location: 15q21.2.
Variant type: single nucleotide variant.
Coding change: c.7220C>T on transcript NM_001378457.1 (MANE Select); coding-DNA position 7220, C replaced by T.
Protein change: p.Pro2407Leu; replaces proline 2407 with leucine.
Molecular consequence: missense variant. On other transcripts: non-coding transcript variant (2).
Genome position (GRCh38, 1-based): chr15:51,471,395, G>A on the plus strand (C>T on the coding strand, the complement: DMXL2 is on the minus strand). VCF-style: chr15-51471395-G-A. GRCh37 (hg19) VCF-style: chr15-51763592-G-A.
Other names: c.7220C>T, p.Pro2407Leu (NM_001174116.3, NM_001378459.1, NM_001378461.1 and 1 more transcripts); c.5309C>T, p.Pro1770Leu (NM_001174117.3); c.7217C>T, p.Pro2406Leu (NM_001378458.1, NM_001378462.1, NM_015263.5); c.5198C>T, p.Pro1733Leu (NM_001378460.1); c.6977C>T, p.Pro2326Leu (NM_001378464.1); short protein forms P2406L, P1770L, P1733L, P2326L, P2407L.
Identifiers: ClinVar variation 1904755 (VCV001904755.2), dbSNP rs144657780, ClinGen allele CA7561382.